The following is an entry in ClinVar:

NM_005090.4(JMJD7-PLA2G4B):c.1551C>T (p.Asp517=)

Genes: JMJD7-PLA2G4B (JMJD7-PLA2G4B readthrough; plus strand), PLA2G4B (phospholipase A2 group IVB; plus strand). Cytogenetic location: 15q15.1.
Variant type: single nucleotide variant.
Coding change: c.1551C>T on transcript NM_005090.4; coding-DNA position 1551, C replaced by T.
Protein change: p.Asp517=; no amino-acid change (aspartic acid 517 retained).
Molecular consequence: synonymous variant.
Genome position (GRCh38, 1-based): chr15:41,843,790, C>T. VCF-style: chr15-41843790-C-T. GRCh37 (hg19) VCF-style: chr15-42135988-C-T.
Other names: c.858C>T, p.Asp286= (NM_001114633.2); c.1551C>T, p.Asp517= (NM_001198588.2).
Identifiers: ClinVar variation 3059769 (VCV003059769.2), dbSNP rs1672466, ClinGen allele CA7499833.
Genomic context (GRCh38, chr15:41,843,790, plus strand): 5'-CTTCCTGAGCAGGAGGAAGCAGGTGGTGGCCGCGGCCTTGAGGCAGGCCCTGCAGCTGGA[C>T]GGAGACCTGCAGGAGGATGAGGTTTGGGGGCTGGGCTGGATGGGGTGTCCCCGGGCTTGC-3'

ClinVar aggregate classification (germline): Benign (0 of 4 stars; one submission).

Conditions:
JMJD7-PLA2G4B-related disorder. Also called: JMJD7-PLA2G4B-related condition.

Allele frequency attached by ClinVar (database versions not stated): ESP Exome Variant Server 0.74835; 1000 Genomes Project 30x 0.75406; TOPMed 0.75457; 1000 Genomes Project 0.75539; gnomAD 0.75921; ExAC 0.79714.
gnomAD v4.1: 1,285,183 of 1,613,844 alleles (80%); highest among the groups gnomAD compares: East Asian, 88%; 514,290 homozygotes.

Submission:

PreventionGenetics, part of Exact Sciences
Classification: Benign for JMJD7-PLA2G4B-related condition. Last evaluated: 2019-10-17. Review status: no assertion criteria provided. Collection method: clinical testing. Allele origin: germline.
Comment: This variant is classified as benign based on ACMG/AMP sequence variant interpretation guidelines (Richards et al. 2015 PMID: 25741868, with internal and published modifications).